The following is an entry in ClinVar:

ClinVar aggregate classification (germline): Uncertain significance (1 of 4 stars; one submission).

Conditions:
Combined deficiency of sialidase AND beta galactosidase (GSL). Also called: NEURAMINIDASE DEFICIENCY WITH BETA-GALACTOSIDASE DEFICIENCY; NEURAMINIDASE/BETA-GALACTOSIDASE EXPRESSION; PPCA DEFICIENCY; PROTECTIVE PROTEIN/CATHEPSIN A DEFICIENCY; CATHEPSIN A DEFICIENCY; GOLDBERG SYNDROME. Identifiers: Orphanet 351, MedGen C0268233, MONDO:0009737, OMIM 256540.

Allele frequency attached by ClinVar (database versions not stated): TOPMed 0.00008; gnomAD 0.00009; ExAC 0.00010; gnomAD exomes 0.00013; ESP Exome Variant Server 0.00015.

Submission:

Labcorp Genetics (formerly Invitae), Labcorp
Classification: Uncertain significance for Combined deficiency of sialidase AND beta galactosidase. Last evaluated: 2022-05-04. Review status: criteria provided, single submitter. Criteria: Invitae Variant Classification Sherloc (09022015). Collection method: clinical testing. Allele origin: germline.
Comment: This sequence change replaces alanine, which is neutral and non-polar, with valine, which is neutral and non-polar, at codon 174 of the CTSA protein (p.Ala174Val). This variant is present in population databases (rs139760741, gnomAD 0.02%). This variant has not been reported in the literature in individuals affected with CTSA-related conditions. Algorithms developed to predict the effect of missense changes on protein structure and function are either unavailable or do not agree on the potential impact of this missense change (SIFT: "Not Available"; PolyPhen-2: "Possibly Damaging"; Align-GVGD: "Not Available"). In summary, the available evidence is currently insufficient to determine the role of this variant in disease. Therefore, it has been classified as a Variant of Uncertain Significance.

NM_000308.4(CTSA):c.467C>T (p.Ala156Val)

Gene: CTSA (cathepsin A; plus strand). Cytogenetic location: 20q13.12.
Variant type: single nucleotide variant.
Coding change: c.467C>T on transcript NM_000308.4 (MANE Select); coding-DNA position 467, C replaced by T.
Protein change: p.Ala156Val; replaces alanine 156 with valine.
Molecular consequence: missense variant. On other transcripts: non-coding transcript variant (1).
Genome position (GRCh38, 1-based): chr20:45,892,747, C>T. VCF-style: chr20-45892747-C-T. GRCh37 (hg19) VCF-style: chr20-44521386-C-T.
Other names: c.467C>T, p.Ala156Val (NM_001127695.3); c.416C>T, p.Ala139Val (NM_001167594.3); short protein forms A139V, A156V.
Identifiers: ClinVar variation 2045865 (VCV002045865.1), dbSNP rs139760741, ClinGen allele CA9883053.